The following is an entry in ClinVar:

ClinVar aggregate classification (germline): Uncertain significance (1 of 4 stars; one submission).

Conditions:
Hypertrophic cardiomyopathy. Also called: HYPERTROPHIC MYOCARDIOPATHY. Identifiers: Orphanet 217569, MedGen C0007194, MeSH D002312, MONDO:0005045, HP:0001639.

Submission:

Labcorp Genetics (formerly Invitae), Labcorp
Classification: Uncertain significance for Hypertrophic cardiomyopathy. Last evaluated: 2023-08-22. Review status: criteria provided, single submitter. Criteria: Invitae Variant Classification Sherloc (09022015). Collection method: clinical testing. Allele origin: germline.
Comment: In summary, the available evidence is currently insufficient to determine the role of this variant in disease. Therefore, it has been classified as a Variant of Uncertain Significance. An algorithm developed to predict the effect of missense changes on protein structure and function (PolyPhen-2) suggests that this variant is likely to be tolerated. ClinVar contains an entry for this variant (Variation ID: 1386304). This variant has not been reported in the literature in individuals affected with MYBPC3-related conditions. This variant is not present in population databases (gnomAD no frequency). This sequence change replaces alanine, which is neutral and non-polar, with aspartic acid, which is acidic and polar, at codon 216 of the MYBPC3 protein (p.Ala216Asp).

NM_000256.3(MYBPC3):c.647C>A (p.Ala216Asp)

Gene: MYBPC3 (myosin binding protein C3; minus strand). Cytogenetic location: 11p11.2.
Variant type: single nucleotide variant.
Coding change: c.647C>A on transcript NM_000256.3 (MANE Select); coding-DNA position 647, C replaced by A.
Protein change: p.Ala216Asp; replaces alanine 216 with aspartic acid.
Molecular consequence: missense variant.
Genome position (GRCh38, 1-based): chr11:47,349,781, G>T on the plus strand (C>A on the coding strand, the complement: MYBPC3 is on the minus strand). VCF-style: chr11-47349781-G-T. GRCh37 (hg19) VCF-style: chr11-47371332-G-T.
Other names: short protein forms A216D.
Identifiers: ClinVar variation 1386304 (VCV001386304.8), dbSNP rs2142867637, ClinGen allele CA380337154.